The following is an entry in ClinVar:

NM_001042681.2(RERE):c.1589C>T (p.Thr530Ile)

Gene: RERE (arginine-glutamic acid dipeptide repeats; minus strand). Cytogenetic location: 1p36.23.
Variant type: single nucleotide variant.
Coding change: c.1589C>T on transcript NM_001042681.2 (MANE Select); coding-DNA position 1589, C replaced by T.
Protein change: p.Thr530Ile; replaces threonine 530 with isoleucine.
Molecular consequence: missense variant. On other transcripts: 5 prime UTR variant (1).
Genome position (GRCh38, 1-based): chr1:8,364,207, G>A on the plus strand (C>T on the coding strand, the complement: RERE is on the minus strand). VCF-style: chr1-8364207-G-A. GRCh37 (hg19) VCF-style: chr1-8424267-G-A.
Other names: c.-74C>T (NM_001042682.2); c.1589C>T, p.Thr530Ile (NM_012102.4); short protein forms T530I.
Identifiers: ClinVar variation 3378355 (VCV003378355.1).

ClinVar aggregate classification (germline): Uncertain significance (1 of 4 stars; one submission).

Submission:

GeneDx
Classification: Uncertain significance. Last evaluated: 2024-05-15. Review status: criteria provided, single submitter. Criteria: GeneDx Variant Classification Process June 2021. Collection method: clinical testing. Allele origin: germline. Affected: yes.
Comment: Not observed at significant frequency in large population cohorts (gnomAD); In silico analysis supports that this missense variant has a deleterious effect on protein structure/function; Has not been previously published as pathogenic or benign to our knowledge